The following is an entry in ClinVar:

ClinVar aggregate classification (germline): Uncertain significance. Review status: criteria provided, multiple submitters, no conflicts (2 of 4 stars). 5 submissions from 5 submitters: Uncertain significance (5). Last evaluated 2026-01-26.

Conditions:
Hereditary cancer-predisposing syndrome. Also called: Tumor predisposition; Hereditary Cancer Syndrome; Hereditary neoplastic syndrome; Neoplastic Syndromes, Hereditary. Identifiers: Orphanet 140162, MedGen C0027672, MeSH D009386, MONDO:0015356.
Familial cancer of breast. Also called: BREAST CANCER, FAMILIAL; Hereditary breast cancer; hereditary breast carcinoma. Identifiers: Orphanet 227535, MedGen C0346153, MONDO:0016419, OMIM 114480. Disease mechanism: loss of function.

Allele frequency attached by ClinVar (database versions not stated): gnomAD exomes below 0.00001.
gnomAD v4.1: 3 of 1,614,148 alleles (0.00019%); highest among the groups gnomAD compares: Admixed American, 0.0017%; no homozygotes.

Submissions (5):

Labcorp Genetics (formerly Invitae), Labcorp
Classification: Uncertain significance for Familial cancer of breast. Last evaluated: 2026-01-26. Review status: criteria provided, single submitter. Criteria: Invitae Variant Classification Sherloc (09022015). Collection method: clinical testing. Allele origin: germline.
Comment: This sequence change replaces tyrosine, which is neutral and polar, with cysteine, which is neutral and slightly polar, at codon 159 of the CHEK2 protein (p.Tyr159Cys). This variant is present in population databases (no rsID available, gnomAD 0.003%). This variant has not been reported in the literature in individuals affected with CHEK2-related conditions. ClinVar contains an entry for this variant (Variation ID: 410058). An algorithm developed to predict the effect of missense changes on protein structure and function (PolyPhen-2) suggests that this variant is likely to be disruptive. In summary, the available evidence is currently insufficient to determine the role of this variant in disease. Therefore, it has been classified as a Variant of Uncertain Significance.

Quest Diagnostics Nichols Institute San Juan Capistrano
Classification: Uncertain significance. Last evaluated: 2025-11-07. Review status: criteria provided, single submitter. Criteria: Quest Diagnostics criteria. Collection method: clinical testing. Allele origin: unknown.
Comment: The CHEK2 c.476A>G (p.Tyr159Cys) variant has been observed in one breast cancer case and no reportedly unaffected individuals in a large-scale breast cancer association study (PMID: 33471991 (2021), see also LOVD). The frequency of this variant in the general population (Genome Aggregation Database) is uninformative in the assessment of its pathogenicity. Analysis of this variant using bioinformatics tools for the prediction of the effect of amino acid changes on protein structure and function yielded predictions that this variant is damaging. Based on the available information, we are unable to determine the clinical significance of this variant.

GeneDx
Classification: Uncertain significance. Last evaluated: 2025-06-20. Review status: criteria provided, single submitter. Criteria: GeneDx Variant Classification Process June 2021. Collection method: clinical testing. Allele origin: germline. Affected: yes.
Comment: Not observed at significant frequency in large population cohorts (gnomAD); In silico analysis supports that this missense variant has a deleterious effect on protein structure/function; This variant is associated with the following publications: (PMID: 26976419, 23334666, 32832836, 22419737, 19782031, 28779002)

Color Diagnostics, LLC DBA Color Health
Classification: Uncertain significance for Hereditary cancer-predisposing syndrome. Last evaluated: 2024-06-20. Review status: criteria provided, single submitter. Criteria: ACMG Guidelines, 2015. Collection method: clinical testing. Allele origin: germline.
Comment: This missense variant replaces tyrosine with cysteine at codon 159 of the CHEK2 protein. Computational prediction suggests that this variant may have deleterious impact on protein structure and function (internally defined REVEL score threshold >= 0.7, PMID: 27666373). To our knowledge, functional studies have not been reported for this variant. This variant has not been reported in individuals affected with CHEK2-related disorders in the literature. This variant has been identified in 1/251416 chromosomes in the general population by the Genome Aggregation Database (gnomAD). The available evidence is insufficient to determine the role of this variant in disease conclusively. Therefore, this variant is classified as a Variant of Uncertain Significance.

Ambry Genetics
Classification: Uncertain significance for Hereditary cancer-predisposing syndrome. Last evaluated: 2024-03-25. Review status: criteria provided, single submitter. Criteria: Ambry Variant Classification Scheme 2023. Collection method: clinical testing. Allele origin: germline.
Comment: The p.Y159C variant (also known as c.476A>G), located in coding exon 3 of the CHEK2 gene, results from an A to G substitution at nucleotide position 476. The tyrosine at codon 159 is replaced by cysteine, an amino acid with highly dissimilar properties. This alteration has been reported in at least one breast cancer patient in a study of 13087 breast cancer cases and 5488 control individuals in the UK (Decker B et al. J Med Genet, 2017 11;54:732-741).This variant was also identified in a cohort of 3579 African males diagnosed with prostate cancer who underwent multi-gene panel testing of 19 DNA repair and cancer predisposition genes (Matejcic M et al. JCO Precis Oncol, 2020 Jan;4:32-43). This amino acid position is highly conserved in available vertebrate species. In addition, this alteration is predicted to be deleterious by in silico analysis. Since supporting evidence is limited at this time, the clinical significance of this alteration remains unclear.

Literature cited by the submitters: PubMed 32832836 (cited by Quest Diagnostics Nichols Institute San Juan Capistrano and Ambry Genetics); PubMed 28779002 (cited by Quest Diagnostics Nichols Institute San Juan Capistrano and Ambry Genetics); PubMed 33471991 (cited by Quest Diagnostics Nichols Institute San Juan Capistrano).

NM_007194.4(CHEK2):c.476A>G (p.Tyr159Cys)

Gene: CHEK2 (checkpoint kinase 2; minus strand). Cytogenetic location: 22q12.1.
Variant type: single nucleotide variant.
Coding change: c.476A>G on transcript NM_007194.4 (MANE Select); coding-DNA position 476, A replaced by G.
Protein change: p.Tyr159Cys; replaces tyrosine 159 with cysteine.
Molecular consequence: missense variant. On other transcripts: 5 prime UTR variant (2), intron variant (1).
Genome position (GRCh38, 1-based): chr22:28,725,093, T>C on the plus strand (A>G on the coding strand, the complement: CHEK2 is on the minus strand). VCF-style: chr22-28725093-T-C. GRCh37 (hg19) VCF-style: chr22-29121081-T-C.
Other names: c.605A>G, p.Tyr202Cys (NM_001005735.3, NM_001438294.1); c.-302A>G (NM_001257387.3); c.-188A>G (NM_001437942.1); c.569A>G, p.Tyr190Cys (NM_001438293.1, NM_001438295.1); c.476A>G, p.Tyr159Cys (NM_145862.3); c.444+150A>G (NM_001349956.3); short protein forms Y159C, Y202C, Y190C.
Identifiers: ClinVar variation 410058 (VCV000410058.24), dbSNP rs1060502718, ClinGen allele CA16616350.